The following is an entry in ClinVar:

ClinVar aggregate classification (germline): Uncertain significance. Review status: criteria provided, multiple submitters, no conflicts (2 of 4 stars). 2 submissions from 2 submitters: Uncertain significance (2). Last evaluated 2022-05-15.

Conditions:
Inborn genetic diseases. Identifiers: MedGen C0950123, MeSH D030342.

gnomAD v4.1: 8 of 1,613,866 alleles (0.0005%); highest among the groups gnomAD compares: South Asian, 0.0088%; no homozygotes.

Submissions (2):

Labcorp Genetics (formerly Invitae), Labcorp
Classification: Uncertain significance. Last evaluated: 2022-05-15. Review status: criteria provided, single submitter. Criteria: Invitae Variant Classification Sherloc (09022015). Collection method: clinical testing. Allele origin: germline.
Comment: In summary, the available evidence is currently insufficient to determine the role of this variant in disease. Therefore, it has been classified as a Variant of Uncertain Significance. Algorithms developed to predict the effect of missense changes on protein structure and function are either unavailable or do not agree on the potential impact of this missense change (SIFT: "Deleterious"; PolyPhen-2: "Benign"; Align-GVGD: "Class C0"). This variant has not been reported in the literature in individuals affected with RP1-related conditions. This variant is present in population databases (rs748670129, gnomAD 0.007%). This sequence change replaces threonine, which is neutral and polar, with isoleucine, which is neutral and non-polar, at codon 1557 of the RP1 protein (p.Thr1557Ile).

Ambry Genetics
Classification: Uncertain significance for Inborn genetic diseases. Last evaluated: 2022-03-29. Review status: criteria provided, single submitter. Criteria: Ambry Variant Classification Scheme 2023. Collection method: clinical testing. Allele origin: germline.

NM_006269.2(RP1):c.4670C>T (p.Thr1557Ile)

Gene: RP1 (RP1 axonemal microtubule associated; plus strand). Cytogenetic location: 8q12.1.
Variant type: single nucleotide variant.
Coding change: c.4670C>T on transcript NM_006269.2 (MANE Select); coding-DNA position 4670, C replaced by T.
Protein change: p.Thr1557Ile; replaces threonine 1557 with isoleucine.
Molecular consequence: missense variant. On other transcripts: intron variant (1).
Genome position (GRCh38, 1-based): chr8:54,628,552, C>T. VCF-style: chr8-54628552-C-T. GRCh37 (hg19) VCF-style: chr8-55541112-C-T.
Other names: c.787+6264C>T (NM_001375654.1); c.4670C>T (NM_006269.1); short protein forms T1557I.
Identifiers: ClinVar variation 2192505 (VCV002192505.5), dbSNP rs748670129, ClinGen allele CA4751924.
Genomic context (GRCh38, chr8:54,628,552, plus strand): 5'-CTTTAGATTTTTGCTATGATTCTAAGCAAAATAGTGAAAAGGAGACCAATGAAGGAGAAA[C>T]TAAGATGGTAAAAATGATGGTGAAAACTATGGAAACTGGAAGTTATTCAGAGTCCTCTCC-3'
Protein context (NP_006260.1, residues 1547-1567): NSEKETNEGE[Thr1557Ile]KMVKMMVKTM